The following is an entry in ClinVar:

ClinVar aggregate classification (germline): Pathogenic/Likely pathogenic. Review status: criteria provided, multiple submitters, no conflicts (2 of 4 stars). 3 submissions from 3 submitters: Pathogenic (2); Likely pathogenic (1). Last evaluated 2023-11-03.

Conditions:
Familial adenomatous polyposis 4 (FAP4). Also called: MSH3-related attenuated familial adenomatous polyposis. Identifiers: Orphanet 480536, MedGen C4310719, MONDO:0044300, OMIM 617100.
Hereditary cancer-predisposing syndrome. Also called: Tumor predisposition; Hereditary neoplastic syndrome; Neoplastic Syndromes, Hereditary; Hereditary Cancer Syndrome. Identifiers: Orphanet 140162, MedGen C0027672, MeSH D009386, MONDO:0015356.
Endometrial carcinoma. Also called: Endometrial carcinoma, somatic. Identifiers: MedGen C0476089, MONDO:0002447, OMIM 608089, HP:0012114.

Submissions (3):

Ambry Genetics
Classification: Pathogenic for Hereditary cancer-predisposing syndrome. Last evaluated: 2023-11-03. Review status: criteria provided, single submitter. Criteria: Ambry Variant Classification Scheme 2023. Collection method: clinical testing. Allele origin: germline.
Comment: The c.1536delA pathogenic mutation, located in coding exon 10 of the MSH3 gene, results from a deletion of one nucleotide at nucleotide position 1536, causing a translational frameshift with a predicted alternate stop codon (p.E512Dfs*24). This variant is considered to be rare based on population cohorts in the Genome Aggregation Database (gnomAD). This alteration is expected to result in loss of function by premature protein truncation or nonsense-mediated mRNA decay. As such, this alteration is interpreted as a disease-causing mutation.

Myriad Genetics, Inc.
Classification: Pathogenic for Familial adenomatous polyposis 4. Last evaluated: 2023-08-30. Review status: criteria provided, single submitter. Criteria: Myriad Autosomal Dominant, Autosomal Recessive and X-Linked Classification Criteria (2023). Collection method: clinical testing. Allele origin: unknown.
Comment: This variant is considered pathogenic. This variant creates a frameshift predicted to result in premature protein truncation.

Baylor Genetics
Classification: Likely pathogenic for Endometrial carcinoma. Last evaluated: 2023-05-31. Review status: criteria provided, single submitter. Criteria: ACMG Guidelines, 2015. Collection method: clinical testing. Allele origin: unknown.

NM_002439.5(MSH3):c.1536del (p.Glu512fs)

Gene: MSH3 (mutS homolog 3; plus strand). Cytogenetic location: 5q14.1.
Variant type: Deletion.
Coding change: c.1536del on transcript NM_002439.5 (MANE Select); coding-DNA position 1536, one base deleted (A; older notation c.1536delA).
Protein change: p.Glu512fs; shifts the reading frame from glutamic acid 512.
Molecular consequence: frameshift variant.
Genome position (GRCh38, 1-based): chr5:80,728,933, A deleted; the last of 2 consecutive A bases (chr5:80,728,932-80,728,933); deleting either gives the same sequence. VCF-style (leftmost placement, unchanged base first): chr5-80728931-GA-G. GRCh37 (hg19) VCF-style: chr5-80024750-GA-G.
Other names: c.1536delA (NM_002439.3); short protein forms E512fs.
Identifiers: ClinVar variation 2673560 (VCV002673560.3), dbSNP rs2546754685, ClinGen allele CA2695198666.